The following is an entry in ClinVar:

ClinVar aggregate classification (germline): Likely benign. Review status: criteria provided, multiple submitters, no conflicts (2 of 4 stars). 3 submissions from 3 submitters: Likely benign (2). 1 of the submissions does not count toward it. Last evaluated 2026-08-01.

Conditions:
CNOT3-related disorder. Also called: CNOT3-related condition.

Allele frequency attached by ClinVar (database versions not stated): ExAC 0.00019; TOPMed 0.00019; 1000 Genomes Project 0.00020; gnomAD 0.00020; gnomAD exomes 0.00021; ESP Exome Variant Server 0.00031; 1000 Genomes Project 30x 0.00016.
gnomAD v4.1: 332 of 1,613,064 alleles (0.021%); highest among the groups gnomAD compares: Non-Finnish European, 0.024%; no homozygotes.

Submissions (3):

CeGaT Center for Human Genetics Tuebingen
Classification: Likely benign. Last evaluated: 2026-08-01. Review status: criteria provided, single submitter. Criteria: CeGaT Center For Human Genetics Tuebingen Variant Classification Criteria Version 2. Collection method: clinical testing. Allele origin: germline. Affected: yes. Observed: 1 variant allele.
Comment: CNOT3: BP4, BP7

Blueprint Genetics
Classification: Likely benign. Last evaluated: 2024-03-08. Review status: criteria provided, single submitter. Criteria: ACMG Guidelines, 2015. Collection method: clinical testing. Allele origin: germline.

PreventionGenetics, part of Exact Sciences
Classification: Likely benign for CNOT3-related condition. Last evaluated: 2019-10-28. Review status: no assertion criteria provided. Collection method: clinical testing. Allele origin: germline. Not counted in ClinVar's aggregate classification.
Comment: This variant is classified as likely benign based on ACMG/AMP sequence variant interpretation guidelines (Richards et al. 2015 PMID: 25741868, with internal and published modifications).

NM_014516.4(CNOT3):c.819C>T (p.Ser273=)

Gene: CNOT3 (CCR4-NOT transcription complex subunit 3; plus strand). Cytogenetic location: 19q13.42.
Variant type: single nucleotide variant.
Coding change: c.819C>T on transcript NM_014516.4 (MANE Select); coding-DNA position 819, C replaced by T.
Protein change: p.Ser273=; no amino-acid change (serine 273 retained).
Molecular consequence: synonymous variant.
Genome position (GRCh38, 1-based): chr19:54,146,025, C>T. VCF-style: chr19-54146025-C-T. GRCh37 (hg19) VCF-style: chr19-54649761-C-T.
Identifiers: ClinVar variation 3045853 (VCV003045853.4), dbSNP rs150342696, ClinGen allele CA309339209.